The following is an entry in ClinVar:

ClinVar aggregate classification (germline): Conflicting classifications of pathogenicity. Review status: criteria provided, conflicting classifications (1 of 4 stars). 2 submissions from 2 submitters: Uncertain significance (1); Likely benign (1). Last evaluated 2023-03-13.

Allele frequency attached by ClinVar (database versions not stated): ExAC 0.00007; gnomAD 0.00008 and 0.00009; TOPMed 0.00009; gnomAD exomes 0.00011.

Submissions (2):

Ambry Genetics
Classification: Likely benign. Last evaluated: 2023-03-13. Review status: criteria provided, single submitter. Criteria: Ambry Variant Classification Scheme 2023. Collection method: clinical testing. Allele origin: germline.

Labcorp Genetics (formerly Invitae), Labcorp
Classification: Uncertain significance. Last evaluated: 2022-07-22. Review status: criteria provided, single submitter. Criteria: Invitae Variant Classification Sherloc (09022015). Collection method: clinical testing. Allele origin: germline.
Comment: This sequence change replaces glycine, which is neutral and non-polar, with alanine, which is neutral and non-polar, at codon 30 of the SLC39A7 protein (p.Gly30Ala). This variant is present in population databases (rs759427122, gnomAD 0.02%). This variant has not been reported in the literature in individuals affected with SLC39A7-related conditions. ClinVar contains an entry for this variant (Variation ID: 1411677). Algorithms developed to predict the effect of missense changes on protein structure and function output the following: SIFT: "Tolerated"; PolyPhen-2: "Benign"; Align-GVGD: "Class C0". The alanine amino acid residue is found in multiple mammalian species, which suggests that this missense change does not adversely affect protein function. In summary, the available evidence is currently insufficient to determine the role of this variant in disease. Therefore, it has been classified as a Variant of Uncertain Significance.

NM_006979.3(SLC39A7):c.89G>C (p.Gly30Ala)

Gene: SLC39A7 (solute carrier family 39 member 7; plus strand). Cytogenetic location: 6p21.32.
Variant type: single nucleotide variant.
Coding change: c.89G>C on transcript NM_006979.3 (MANE Select); coding-DNA position 89, G replaced by C.
Protein change: p.Gly30Ala; replaces glycine 30 with alanine.
Molecular consequence: missense variant. On other transcripts: 5 prime UTR variant (1).
Genome position (GRCh38, 1-based): chr6:33,201,334, G>C. VCF-style: chr6-33201334-G-C. GRCh37 (hg19) VCF-style: chr6-33169111-G-C.
Other names: c.89G>C, p.Gly30Ala (NM_001077516.2); c.-3G>C (NM_001288777.2); c.89G>C (NM_006979.2); short protein forms G30A.
Identifiers: ClinVar variation 1411677 (VCV001411677.4), dbSNP rs759427122, ClinGen allele CA3752194.